The following is an entry in ClinVar:

NM_024301.5(FKRP):c.1371C>G (p.Phe457Leu)

Gene: FKRP (fukutin related protein; plus strand). Cytogenetic location: 19q13.32.
Variant type: single nucleotide variant.
Coding change: c.1371C>G on transcript NM_024301.5 (MANE Select); coding-DNA position 1371, C replaced by G.
Protein change: p.Phe457Leu; replaces phenylalanine 457 with leucine.
Molecular consequence: missense variant.
Genome position (GRCh38, 1-based): chr19:46,756,821, C>G. VCF-style: chr19-46756821-C-G. GRCh37 (hg19) VCF-style: chr19-47260078-C-G.
Other names: c.1371C>G, p.Phe457Leu (NM_001039885.3); short protein forms F457L.
Identifiers: ClinVar variation 1054610 (VCV001054610.9), dbSNP rs1270459605, ClinGen allele CA406497230.

ClinVar aggregate classification (germline): Uncertain significance (1 of 4 stars; one submission).

Conditions:
Walker-Warburg congenital muscular dystrophy. Also called: Muscular dystrophy-dystroglycanopathy, type A; Walker-Warburg syndrome. Identifiers: Orphanet 899, MedGen C0265221, MONDO:0000171.

Allele frequency attached by ClinVar (database versions not stated): TOPMed 0.00001.
gnomAD v4.1: 1 of 1,599,232 alleles (0.000063%); no homozygotes.

Submission:

Labcorp Genetics (formerly Invitae), Labcorp
Classification: Uncertain significance for Walker-Warburg congenital muscular dystrophy. Last evaluated: 2020-03-04. Review status: criteria provided, single submitter. Criteria: Invitae Variant Classification Sherloc (09022015). Collection method: clinical testing. Allele origin: germline.
Comment: In summary, the available evidence is currently insufficient to determine the role of this variant in disease. Therefore, it has been classified as a Variant of Uncertain Significance. Algorithms developed to predict the effect of missense changes on protein structure and function (SIFT, PolyPhen-2, Align-GVGD) all suggest that this variant is likely to be tolerated, but these predictions have not been confirmed by published functional studies and their clinical significance is uncertain. This variant has not been reported in the literature in individuals with FKRP-related conditions. This variant is not present in population databases (ExAC no frequency). This sequence change replaces phenylalanine with leucine at codon 457 of the FKRP protein (p.Phe457Leu). The phenylalanine residue is moderately conserved and there is a small physicochemical difference between phenylalanine and leucine.